The following is an entry in ClinVar:

ClinVar aggregate classification (germline): Uncertain significance (1 of 4 stars; one submission).

Submission:

GeneDx
Classification: Uncertain significance. Last evaluated: 2021-02-09. Review status: criteria provided, single submitter. Criteria: GeneDx Variant Classification Process June 2021. Collection method: clinical testing. Allele origin: germline. Affected: yes.
Comment: Not observed in large population cohorts (Lek et al., 2016); In-frame deletion of 2 amino acids and the insertion of 1 incorrect amino acid in a non-repeat region; In silico analysis, which includes protein predictors and evolutionary conservation, supports a deleterious effect; Has not been previously published as pathogenic or benign to our knowledge

NM_171998.4(RAB39B):c.174_176del (p.Ile58_Lys59delinsMet)

Gene: RAB39B (RAB39B, member RAS oncogene family; minus strand). Cytogenetic location: Xq28.
Variant type: Deletion.
Coding change: c.174_176del on transcript NM_171998.4 (MANE Select); coding-DNA positions 174 to 176, 3 bases deleted (CAA; older notation c.174_176delCAA).
Protein change: p.Ile58_Lys59delinsMet.
Molecular consequence: inframe indel.
Genome position (GRCh38, 1-based): chrX:155,264,113-155,264,115, TTG deleted on the plus strand (CAA on the coding strand, the reverse complement: RAB39B is on the minus strand). VCF-style (leftmost placement, unchanged base first): chrX-155264112-CTTG-C. GRCh37 (hg19) VCF-style: chrX-154493397-CTTG-C.
Identifiers: ClinVar variation 1309370 (VCV001309370.2), dbSNP rs2124130042, ClinGen allele CA2573055187.